The following is an entry in ClinVar:

NM_000089.4(COL1A2):c.226-2A>G

Gene: COL1A2 (collagen type I alpha 2 chain; plus strand). Cytogenetic location: 7q21.3.
Variant type: single nucleotide variant.
Coding change: c.226-2A>G on transcript NM_000089.4 (MANE Select); the canonical splice acceptor site of the intron before coding-DNA position 226, A replaced by G.
Molecular consequence: splice acceptor variant.
Genome position (GRCh38, 1-based): chr7:94,401,565, A>G. VCF-style: chr7-94401565-A-G. GRCh37 (hg19) VCF-style: chr7-94030877-A-G.
Other names: IVS5AS, A-G, -2.
Identifiers: ClinVar variation 17270 (VCV000017270.18), dbSNP rs72656355, ClinGen allele CA212997.

ClinVar aggregate classification (germline): Pathogenic/Likely pathogenic. Review status: criteria provided, multiple submitters, no conflicts (2 of 4 stars). 6 submissions from 6 submitters: Pathogenic (3); Likely pathogenic (1). 2 of the submissions do not count toward it. Last evaluated 2024-03-06.

Conditions:
Ehlers-Danlos syndrome, arthrochalasia type, 2. Also called: EHLERS-DANLOS SYNDROME, TYPE VIIB, AUTOSOMAL DOMINANT. Identifiers: MedGen CN293783, MONDO:0040501, OMIM 617821.
COL1A2-related disorder. Also called: COL1A2-related condition; COL1A2-Related Disorders.
Ehlers-Danlos syndrome, classic type, 1 (EDSCL1). Also called: Ehlers-Danlos Syndrome, Classic Type, COL5A1-Related; EDS I; Ehlers-Danlos syndrome, type 1; EHLERS-DANLOS SYNDROME, GRAVIS TYPE; EHLERS-DANLOS SYNDROME, SEVERE CLASSIC TYPE. Identifiers: MedGen C0268335, MONDO:0019567, OMIM 130000.
Osteogenesis imperfecta type I (OI1). Also called: Lobstein disease; Classic Non-deforming Osteogenesis Imperfecta with Blue Sclerae; OI, TYPE I; OSTEOGENESIS IMPERFECTA TARDA; OSTEOGENESIS IMPERFECTA WITH BLUE SCLERAE; Osteogenesis imperfecta type 1. Identifiers: Orphanet 216796, Orphanet 666, MedGen C0023931, MONDO:0008146, OMIM 166200. Disease mechanism: loss of function.
Ehlers-Danlos syndrome (EDS). Identifiers: Orphanet 98249, MedGen C0013720, MONDO:0020066.

Submissions (6):

Laboratory of Medical Genetics, National & Kapodistrian University of Athens
Classification: Pathogenic for Ehlers-Danlos syndrome, arthrochalasia type, 2. Last evaluated: 2024-03-06. Review status: criteria provided, single submitter. Criteria: ACMG Guidelines, 2015. Collection method: clinical testing. Allele origin: germline. Affected: yes.
Comment: PVS1, PM2, PP5 - The variant has been reported in ClinVar as Pathogenic by other laboratories (Variation ID 17270).

Genome Diagnostics Laboratory, The Hospital for Sick Children
Classification: Pathogenic for Ehlers-Danlos syndrome. Last evaluated: 2020-01-01. Review status: criteria provided, single submitter. Criteria: ACMG Guidelines, 2015. Collection method: clinical testing. Allele origin: germline.

Labcorp Genetics (formerly Invitae), Labcorp
Classification: Pathogenic for Osteogenesis imperfecta type I; Ehlers-Danlos syndrome, classic type, 1. Last evaluated: 2018-12-03. Review status: criteria provided, single submitter. Criteria: Invitae Variant Classification Sherloc (09022015). Collection method: clinical testing. Allele origin: germline.
Comment: This variant is not present in population databases (ExAC no frequency). For these reasons, this variant has been classified as Pathogenic. Donor and acceptor splice site variants typically lead to a loss of protein function (PMID: 16199547), and loss-of-function variants in COL1A2 are known to be pathogenic (PMID: 2993307, 3372533, 6092353, 11288717, 15077201, 16816023, 27510842). This variant has been observed to segregate with Ehlers-Danlos syndrome in a family (PMID: 9295084) and has been observed in an unrelated individual with arthrochalasia type Ehlers-Danlos syndrome (PMID: 21801164). This variant is also known as Intron 5 A-2>G in the literature. ClinVar contains an entry for this variant (Variation ID: 17270). This sequence change affects an acceptor splice site in intron 5 of the COL1A2 gene. It is expected to disrupt RNA splicing and likely results in an absent or disrupted protein product.

GeneDx
Classification: Likely pathogenic. Last evaluated: 2017-02-02. Review status: criteria provided, single submitter. Criteria: GeneDx Variant Classification (06012015). Collection method: clinical testing. Allele origin: germline. Affected: yes.
Comment: The c.226-2A>G pathogenic variant in the COL1A2 gene has been reported in multiple affected individuals from a family segregating an autosomal dominant form of Ehlers-Danlos syndrome characterized by marked joint laxity and multiple dislocations, with no reported skin fragility or fractures (Byers et al., 1997). This splice site variant destroys the canonical splice acceptor site in intron 5. It is predicted to cause abnormal gene splicing, either leading to an abnormal message that is subject to nonsense-mediated mRNA decay, or to an abnormal protein product if the message is used for protein translation. The c.226-2A>G variant was not observed in approximately 6500 individuals of European and African American ancestry in the NHLBI Exome Sequencing Project, indicating it is not a common benign variant in these populations. We interpret c.226-2A>G as a likely pathogenic variant

PreventionGenetics, part of Exact Sciences
Classification: Pathogenic for COL1A2-related condition. Last evaluated: 2024-09-27. Review status: no assertion criteria provided. Collection method: clinical testing. Allele origin: germline. Not counted in ClinVar's aggregate classification.
Comment: The COL1A2 c.226-2A>G variant is predicted to disrupt the AG splice acceptor site and interfere with normal splicing. This variant has been reported to segregate with affected status in a family with autosomal dominant COL1A2-related Ehlers-Danlos syndrome, and other variants altering this splice junction have also been reported in affected individuals (Byers et al. 1997. PubMed ID: 9295084). This variant has not been reported in a large population database, indicating this variant is rare. Variants that disrupt the consensus splice acceptor site in COL1A2 are expected to be pathogenic. This variant is interpreted as pathogenic.

OMIM
Classification: Pathogenic for EHLERS-DANLOS SYNDROME, ARTHROCHALASIA TYPE, 2. Last evaluated: 2017-12-21. Review status: no assertion criteria provided. Collection method: literature only. Allele origin: germline. Not counted in ClinVar's aggregate classification.

Literature cited by the submitters: PubMed 16199547 (cited by Labcorp Genetics (formerly Invitae), Labcorp); PubMed 2993307 (cited by Labcorp Genetics (formerly Invitae), Labcorp); PubMed 3372533 (cited by Labcorp Genetics (formerly Invitae), Labcorp); PubMed 6092353 (cited by Labcorp Genetics (formerly Invitae), Labcorp); PubMed 11288717 (cited by Labcorp Genetics (formerly Invitae), Labcorp); PubMed 15077201 (cited by Labcorp Genetics (formerly Invitae), Labcorp); PubMed 16816023 (cited by Labcorp Genetics (formerly Invitae), Labcorp); PubMed 27510842 (cited by Labcorp Genetics (formerly Invitae), Labcorp); PubMed 9295084 (cited by Labcorp Genetics (formerly Invitae), Labcorp); PubMed 21801164 (cited by Labcorp Genetics (formerly Invitae), Labcorp); Byers, P. H. Personal Communication. 1990. Seattle, Wa. (cited by OMIM).